The following is an entry in ClinVar:

ClinVar aggregate classification (germline): Uncertain significance. Review status: criteria provided, multiple submitters, no conflicts (2 of 4 stars). 2 submissions from 2 submitters: Uncertain significance (2). Last evaluated 2026-02-16.

Conditions:
Inborn genetic diseases. Identifiers: MedGen C0950123, MeSH D030342.

Submissions (2):

GeneDx
Classification: Uncertain significance. Last evaluated: 2026-02-16. Review status: criteria provided, single submitter. Criteria: GeneDx Variant Classification Process June 2021. Collection method: clinical testing. Allele origin: germline.
Comment: In silico analysis suggests that this missense variant does not alter protein structure/function; Has not been previously published as pathogenic or benign to our knowledge

Ambry Genetics
Classification: Uncertain significance for Inborn genetic diseases. Last evaluated: 2025-11-05. Review status: criteria provided, single submitter. Criteria: Ambry Variant Classification Scheme 2023. Collection method: clinical testing. Allele origin: germline.

NM_014026.6(DCPS):c.466G>A (p.Asp156Asn)

Gene: DCPS (decapping enzyme, scavenger; plus strand). Cytogenetic location: 11q24.2.
Variant type: single nucleotide variant.
Coding change: c.466G>A on transcript NM_014026.6 (MANE Select); coding-DNA position 466, G replaced by A.
Protein change: p.Asp156Asn; replaces aspartic acid 156 with asparagine.
Molecular consequence: missense variant.
Genome position (GRCh38, 1-based): chr11:126,331,494, G>A. VCF-style: chr11-126331494-G-A. GRCh37 (hg19) VCF-style: chr11-126201389-G-A.
Other names: c.487G>A, p.Asp163Asn (NM_001350236.2); c.466G>A (NM_014026.4); short protein forms D156N, D163N.
Identifiers: ClinVar variation 4617009 (VCV004617009.2).